The following is an entry in ClinVar:

NM_024577.4(SH3TC2):c.2528G>T (p.Gly843Val)

Gene: SH3TC2 (SH3 domain and tetratricopeptide repeats 2; minus strand). Cytogenetic location: 5q32.
Variant type: single nucleotide variant.
Coding change: c.2528G>T on transcript NM_024577.4 (MANE Select); coding-DNA position 2528, G replaced by T.
Protein change: p.Gly843Val; replaces glycine 843 with valine.
Molecular consequence: missense variant.
Genome position (GRCh38, 1-based): chr5:149,027,204, C>A on the plus strand (G>T on the coding strand, the complement: SH3TC2 is on the minus strand). VCF-style: chr5-149027204-C-A. GRCh37 (hg19) VCF-style: chr5-148406767-C-A.
Other names: short protein forms G843V.
Identifiers: ClinVar variation 476899 (VCV000476899.13), dbSNP rs1463859150, ClinGen allele CA361666180.
Genomic context (GRCh38, chr5:149,027,204, plus strand): 5'-AAGGCCCGAAGATAGCTCTTGGCTGCCCTGTTCACCCGGCCTTCACCTTGGAGTGCAAGT[C>A]CCAGGAGGTTATAGATGACTCCCCTTTGAGTGAGACTCTCTGTCTCCTTCAGGGAGCATA-3'
Protein context (NP_078853.2, residues 833-853): TQRGVIYNLL[Gly843Val]LALQGEGRVN

ClinVar aggregate classification (germline): Pathogenic/Likely pathogenic. Review status: criteria provided, multiple submitters, no conflicts (2 of 4 stars). 5 submissions from 5 submitters: Pathogenic (2); Likely pathogenic (2). 1 of the submissions does not count toward it. Last evaluated 2025-01-15.

Conditions:
Charcot-Marie-Tooth disease type 4C (CMT4C). Also called: CHARCOT-MARIE-TOOTH DISEASE, DEMYELINATING, AUTOSOMAL RECESSIVE, TYPE 4C; CMT 4C; SH3TC2-Related Hereditary Motor and Sensory Neuropathy; Charcot-Marie-Tooth Neuropathy Type 4C (CMT4C); CHARCOT-MARIE-TOOTH DISEASE, DEMYELINATING, TYPE 4C. Identifiers: Orphanet 99949, MedGen C1866636, MONDO:0011113, OMIM 601596.
Susceptibility to mononeuropathy of the median nerve, mild. Also called: CARPAL TUNNEL SYNDROME, SUSCEPTIBILITY TO. Identifiers: MedGen C3150596, MONDO:0013237, OMIM 613353.
Charcot-Marie-Tooth disease. Also called: Charcot-Marie-Tooth Neuropathy; Charcot-Marie-Tooth Hereditary Neuropathy. Identifiers: Orphanet 166, MedGen C0007959, MONDO:0015626.
Charcot-Marie-Tooth disease type 4. Also called: Charcot-Marie-Tooth, Type 4; Charcot-Marie-Tooth disease, type IV. Identifiers: Orphanet 64749, MedGen C4082197, MONDO:0018995.

Allele frequency attached by ClinVar (database versions not stated): gnomAD exomes 0.00001.
gnomAD v4.1: 9 of 1,614,214 alleles (0.00056%); highest among the groups gnomAD compares: Non-Finnish European, 0.00076%; no homozygotes.

Submissions (5):

Molecular Genetics Laboratory, London Health Sciences Centre
Classification: Likely pathogenic for Charcot-Marie-Tooth disease. Last evaluated: 2025-01-15. Review status: criteria provided, single submitter. Criteria: ACMG Guidelines, 2015. Collection method: clinical testing. Allele origin: germline. Inheritance: Autosomal recessive inheritance. Affected: yes.
Comment: Reported as compound heterozygous/homozygous in affected individuals.

GeneDx
Classification: Likely pathogenic. Last evaluated: 2024-07-09. Review status: criteria provided, single submitter. Criteria: GeneDx Variant Classification Process June 2021. Collection method: clinical testing. Allele origin: germline. Affected: yes.
Comment: Not observed at significant frequency in large population cohorts (gnomAD); In silico analysis indicates that this missense variant does not alter protein structure/function; This variant is associated with the following publications: (PMID: 32376792, 36947133)

Women's Health and Genetics/Laboratory Corporation of America, LabCorp
Classification: Pathogenic for Charcot-Marie-Tooth disease type 4C. Last evaluated: 2024-06-20. Review status: criteria provided, single submitter. Criteria: LabCorp Variant Classification Summary - May 2015. Collection method: clinical testing. Allele origin: germline.
Comment: Variant summary: SH3TC2 c.2528G>T (p.Gly843Val) results in a non-conservative amino acid change in the encoded protein sequence. Five of five in-silico tools predict a damaging effect of the variant on protein function. The variant allele was found at a frequency of 1.2e-05 in 251128 control chromosomes. c.2528G>T has been reported in the literature in the presumed compound heterozygous and homozygous states in multiple individuals affected with clinical features of Charcot-Marie Disease Type 4C (example, Rehbein_2023, Volodarsky_2021). These data indicate that the variant is very likely to be associated with disease. To our knowledge, no experimental evidence demonstrating an impact on protein function has been reported. The following publications have been ascertained in the context of this evaluation (PMID: 36947133, 32376792). ClinVar contains an entry for this variant (Variation ID: 476899). Based on the evidence outlined above, the variant was classified as pathogenic.

Labcorp Genetics (formerly Invitae), Labcorp
Classification: Pathogenic for Charcot-Marie-Tooth disease type 4. Last evaluated: 2024-02-22. Review status: criteria provided, single submitter. Criteria: Invitae Variant Classification Sherloc (09022015). Collection method: clinical testing. Allele origin: germline.
Comment: This sequence change replaces glycine, which is neutral and non-polar, with valine, which is neutral and non-polar, at codon 843 of the SH3TC2 protein (p.Gly843Val). This variant is present in population databases (no rsID available, gnomAD 0.003%). This missense change has been observed in individual(s) with clinical features of Charcot-Marie-Tooth disease (PMID: 25614874, 32376792; Invitae). In at least one individual the data is consistent with being in trans (on the opposite chromosome) from a pathogenic variant. ClinVar contains an entry for this variant (Variation ID: 476899). Advanced modeling of protein sequence and biophysical properties (such as structural, functional, and spatial information, amino acid conservation, physicochemical variation, residue mobility, and thermodynamic stability) performed at Invitae indicates that this missense variant is not expected to disrupt SH3TC2 protein function with a negative predictive value of 95%. For these reasons, this variant has been classified as Pathogenic.

Fulgent Genetics
Classification: Uncertain significance for Charcot-Marie-Tooth disease type 4C; Susceptibility to mononeuropathy of the median nerve, mild. Last evaluated: 2018-10-31. Review status: flagged submission. Criteria: ACMG Guidelines, 2015. Collection method: clinical testing. Allele origin: unknown. Not counted in ClinVar's aggregate classification.
ClinVar note: Reason: Older claim that does not account for recent evidence

Literature cited by the submitters: PubMed 32376792 (cited by 3 submitters); PubMed 25614874 (cited by Molecular Genetics Laboratory, London Health Sciences Centre and Labcorp Genetics (formerly Invitae), Labcorp); PubMed 36947133 (cited by Women's Health and Genetics/Laboratory Corporation of America, LabCorp).